The following is an entry in ClinVar:

NM_020812.4(DOCK6):c.82dup (p.Glu28fs)

Gene: DOCK6 (dedicator of cytokinesis 6; minus strand). Cytogenetic location: 19p13.2.
Variant type: Duplication.
Coding change: c.82dup on transcript NM_020812.4 (MANE Select); coding-DNA position 82, one base duplicated (G; older notation c.82dupG).
Protein change: p.Glu28fs; shifts the reading frame from glutamic acid 28.
Molecular consequence: frameshift variant.
Genome position (GRCh38, 1-based): chr19:11,253,689, C duplicated on the plus strand (G on the coding strand, the reverse complement: DOCK6 is on the minus strand); the first of 3 consecutive C bases (chr19:11,253,689-11,253,691); duplicating any one gives the same sequence. VCF-style (leftmost placement, unchanged base first): chr19-11253688-T-TC. GRCh37 (hg19) VCF-style: chr19-11364364-T-TC.
Other names: c.82dup, p.Glu28fs (NM_001367830.1); short protein forms E28fs.
Identifiers: ClinVar variation 3504522 (VCV003504522.1).

ClinVar aggregate classification (germline): Likely pathogenic (1 of 4 stars; one submission).

Conditions:
Inborn genetic diseases. Identifiers: MedGen C0950123, MeSH D030342.

Submission:

Ambry Genetics
Classification: Likely pathogenic for Inborn genetic diseases. Last evaluated: 2024-06-25. Review status: criteria provided, single submitter. Criteria: Ambry Variant Classification Scheme 2023. Collection method: clinical testing. Allele origin: germline.
Comment: The c.82dupG (p.E28Gfs*22) alteration, located in exon 2 (coding exon 2) of the DOCK6 gene, consists of a duplication of G at position 82, causing a translational frameshift with a predicted alternate stop codon after 22 amino acids. The predicted stop codon occurs in the 5' end of the DOCK6 gene. Premature termination codons in the 5&rsquo; end of a gene have been reported to escape nonsense-mediated mRNA decay and/or lead to re-initiation (Rivas, 2015; Lindeboom, 2016; Rhee, 2017). Direct evidence for this alteration is unavailable; however, premature termination codons are typically deleterious in nature. Based on data from gnomAD, the GG allele has an overall frequency of 0.001% (1/95098) total alleles studied. The highest observed frequency was 0.002% (1/45082) of European (non-Finnish) alleles. Based on the available evidence, this alteration is classified as likely pathogenic.

Literature cited by the submitters: PubMed 25954003; PubMed 27618451; PubMed 28490743.